The following is an entry in ClinVar:

NM_006946.4(SPTBN2):c.5622G>T (p.Lys1874Asn)

Gene: SPTBN2 (spectrin beta, non-erythrocytic 2; minus strand). Cytogenetic location: 11q13.2.
Variant type: single nucleotide variant.
Coding change: c.5622G>T on transcript NM_006946.4 (MANE Select); coding-DNA position 5622, G replaced by T.
Protein change: p.Lys1874Asn; replaces lysine 1874 with asparagine.
Molecular consequence: missense variant.
Genome position (GRCh38, 1-based): chr11:66,690,227, C>A on the plus strand (G>T on the coding strand, the complement: SPTBN2 is on the minus strand). VCF-style: chr11-66690227-C-A. GRCh37 (hg19) VCF-style: chr11-66457698-C-A.
Other names: short protein forms K1874N.
Identifiers: ClinVar variation 1367508 (VCV001367508.8), dbSNP rs1427473228, ClinGen allele CA381464284.
Genomic context (GRCh38, chr11:66,690,227, plus strand): 5'-TCCCTGAAGCTGGGCCCAGGCCTCGGCCACGGCCTGCATGTGGCGGCCGATCTCCTCAGC[C>A]TTGTCTCCAGCGTAGGCCTTCTGGAGCCGGTGGCCGTCGTCCTGCACCTGCTGGACCTGC-3'
Protein context (NP_008877.2, residues 1864-1884): HRLQKAYAGD[Lys1874Asn]AEEIGRHMQA

ClinVar aggregate classification (germline): Uncertain significance (1 of 4 stars; one submission).

Submission:

Labcorp Genetics (formerly Invitae), Labcorp
Classification: Uncertain significance. Last evaluated: 2021-07-17. Review status: criteria provided, single submitter. Criteria: Invitae Variant Classification Sherloc (09022015). Collection method: clinical testing. Allele origin: germline.
Comment: In summary, the available evidence is currently insufficient to determine the role of this variant in disease. Therefore, it has been classified as a Variant of Uncertain Significance. Advanced modeling of protein sequence and biophysical properties (such as structural, functional, and spatial information, amino acid conservation, physicochemical variation, residue mobility, and thermodynamic stability) performed at Invitae indicates that this missense variant is not expected to disrupt SPTBN2 protein function. This variant has not been reported in the literature in individuals affected with SPTBN2-related conditions. This variant is not present in population databases (ExAC no frequency). This sequence change replaces lysine with asparagine at codon 1874 of the SPTBN2 protein (p.Lys1874Asn). The lysine residue is highly conserved and there is a moderate physicochemical difference between lysine and asparagine.